The following is an entry in ClinVar:

ClinVar aggregate classification (germline): Likely pathogenic (1 of 4 stars; one submission).

Conditions:
Hereditary cancer-predisposing syndrome. Also called: Tumor predisposition; Hereditary neoplastic syndrome; Neoplastic Syndromes, Hereditary; Hereditary Cancer Syndrome. Identifiers: Orphanet 140162, MedGen C0027672, MeSH D009386, MONDO:0015356.

Submission:

Ambry Genetics
Classification: Likely pathogenic for Hereditary cancer-predisposing syndrome. Last evaluated: 2025-03-20. Review status: criteria provided, single submitter. Criteria: Ambry Variant Classification Scheme 2023. Collection method: clinical testing. Allele origin: germline.
Comment: The c.123-2A>G intronic variant results from an A to G substitution two nucleotides upstream from coding exon 4 in the BAP1 gene. In silico splice site analysis predicts that this alteration will weaken the native splice acceptor site. The stop codon in the predicted resulting transcript occurs in the 5' end ofthe BAP1 gene. As such, this alteration may escape nonsense-mediated mRNAdecay and/or be prone to rescue by re-initiation (Rivas et al. Science. 2015 May 8;348(6235):666-9; Lindeboom et al. Nat Genet. 2016 Oct;48(10):1112-8; Rhee et al. Sci Rep. 2017 May 10;7(1):1653). The exact functional effect of this alteration is unknown; however, a significant portion of the protein is affected (Ambry internal data). This variant was reported in individual(s) with features consistent with BAP1-related tumor predisposition syndrome (Ambry internal data). This variant is considered to be rare based on population cohorts in the Genome Aggregation Database (gnomAD). This nucleotide position is highly conserved in available vertebrate species. Based on the majority of available evidence to date, this variant is likely to be pathogenic.

NM_004656.4(BAP1):c.123-2A>G

Gene: BAP1 (BRCA1 associated deubiquitinase 1; minus strand). Cytogenetic location: 3p21.1.
Variant type: single nucleotide variant.
Coding change: c.123-2A>G on transcript NM_004656.4 (MANE Select); the canonical splice acceptor site of the intron before coding-DNA position 123, A replaced by G.
Molecular consequence: splice acceptor variant.
Genome position (GRCh38, 1-based): chr3:52,408,608, T>C on the plus strand (A>G on the coding strand, the complement: BAP1 is on the minus strand). VCF-style: chr3-52408608-T-C. GRCh37 (hg19) VCF-style: chr3-52442624-T-C.
Other names: c.123-2A>G (NM_001410772.1).
Identifiers: ClinVar variation 3986726 (VCV003986726.1).